The following is an entry in ClinVar:

ClinVar aggregate classification (germline): Likely benign. Review status: criteria provided, multiple submitters, no conflicts (2 of 4 stars). 2 submissions from 2 submitters: Likely benign (2). Last evaluated 2025-03-10.

Conditions:
Pheochromocytoma/paraganglioma syndrome 5. Also called: Paragangliomas 5; SDHA-Related Hereditary Paraganglioma-Pheochromocytoma Syndrome. Identifiers: Orphanet 29072, MedGen C3279992, MONDO:0013602, OMIM 614165.
Mitochondrial complex II deficiency, nuclear type 1. Also called: SUCCINATE CoQ REDUCTASE DEFICIENCY. Identifiers: Orphanet 3208, MedGen C5700310, MONDO:0100294, OMIM 252011.

Allele frequency attached by ClinVar (database versions not stated): gnomAD exomes below 0.00001; TOPMed below 0.00001.
gnomAD v4.1: 5 of 1,613,996 alleles (0.00031%); highest among the groups gnomAD compares: Non-Finnish European, 0.00034%; no homozygotes.

Submissions (2):

Myriad Genetics, Inc.
Classification: Likely benign for Pheochromocytoma/paraganglioma syndrome 5. Last evaluated: 2025-03-10. Review status: criteria provided, single submitter. Criteria: Myriad Autosomal Dominant, Autosomal Recessive and X-Linked Classification Criteria (2023). Collection method: clinical testing. Allele origin: unknown.
Comment: This variant is considered likely benign. This variant is intronic and is not expected to impact mRNA splicing.

Labcorp Genetics (formerly Invitae), Labcorp
Classification: Likely benign for Pheochromocytoma/paraganglioma syndrome 5; Mitochondrial complex II deficiency, nuclear type 1. Last evaluated: 2023-02-24. Review status: criteria provided, single submitter. Criteria: Invitae Variant Classification Sherloc (09022015). Collection method: clinical testing. Allele origin: germline.

NM_004168.4(SDHA):c.1260+10C>T

Gene: SDHA (succinate dehydrogenase complex flavoprotein subunit A; plus strand). Cytogenetic location: 5p15.33.
Variant type: single nucleotide variant.
Coding change: c.1260+10C>T on transcript NM_004168.4 (MANE Select); 10 bases into the intron after coding-DNA position 1260, C replaced by T.
Molecular consequence: intron variant.
Genome position (GRCh38, 1-based): chr5:235,349, C>T. VCF-style: chr5-235349-C-T. GRCh37 (hg19) VCF-style: chr5-235464-C-T.
Other names: c.1260+10C>T (NM_001330758.2); c.1116+10C>T (NM_001294332.2).
Identifiers: ClinVar variation 1542817 (VCV001542817.14), dbSNP rs1300688046, ClinGen allele CA808996582.